The following is an entry in ClinVar:

NM_000447.3(PSEN2):c.390G>C (p.Ser130=)

Gene: PSEN2 (presenilin 2; plus strand). Cytogenetic location: 1q42.13.
Variant type: single nucleotide variant.
Coding change: c.390G>C on transcript NM_000447.3 (MANE Select); coding-DNA position 390, G replaced by C.
Protein change: p.Ser130=; no amino-acid change (serine 130 retained).
Molecular consequence: synonymous variant.
Genome position (GRCh38, 1-based): chr1:226,885,571, G>C. VCF-style: chr1-226885571-G-C. GRCh37 (hg19) VCF-style: chr1-227073272-G-C.
Other names: c.390G>C, p.Ser130= (NM_012486.3).
Identifiers: ClinVar variation 705090 (VCV000705090.11), dbSNP rs781597971, ClinGen allele CA1424507.

ClinVar aggregate classification (germline): Likely benign. Review status: criteria provided, single submitter (1 of 4 stars). 2 submissions from 2 submitters: Likely benign (1). 1 of the submissions does not count toward it. Last evaluated 2023-08-30.

Conditions:
Alzheimer disease 4 (AD4). Identifiers: Orphanet 1020, MedGen C1847200, MONDO:0011743, OMIM 606889.
PSEN2-related disorder. Also called: PSEN2-related condition.

Allele frequency attached by ClinVar (database versions not stated): ExAC 0.00001; TOPMed 0.00001; gnomAD 0.00002 and 0.00003.
gnomAD v4.1: 22 of 1,613,924 alleles (0.0014%); highest among the groups gnomAD compares: Middle Eastern, 0.049%; no homozygotes.

Submissions (2):

Labcorp Genetics (formerly Invitae), Labcorp
Classification: Likely benign for Alzheimer disease 4. Last evaluated: 2023-08-30. Review status: criteria provided, single submitter. Criteria: Invitae Variant Classification Sherloc (09022015). Collection method: clinical testing. Allele origin: germline.

PreventionGenetics, part of Exact Sciences
Classification: Likely benign for PSEN2-related condition. Last evaluated: 2020-02-19. Review status: no assertion criteria provided. Collection method: clinical testing. Allele origin: germline. Not counted in ClinVar's aggregate classification.
Comment: This variant is classified as likely benign based on ACMG/AMP sequence variant interpretation guidelines (Richards et al. 2015 PMID: 25741868, with internal and published modifications).